The following is an entry in ClinVar:

NM_001048174.2(MUTYH):c.1203G>T (p.Gly401=)

Gene: MUTYH (mutY DNA glycosylase; minus strand). Cytogenetic location: 1p34.1.
Variant type: single nucleotide variant.
Coding change: c.1203G>T on transcript NM_001048174.2 (MANE Select); coding-DNA position 1203, G replaced by T.
Protein change: p.Gly401=; no amino-acid change (glycine 401 retained).
Molecular consequence: synonymous variant. On other transcripts: non-coding transcript variant (2).
Genome position (GRCh38, 1-based): chr1:45,331,456, C>A on the plus strand (G>T on the coding strand, the complement: MUTYH is on the minus strand). VCF-style: chr1-45331456-C-A. GRCh37 (hg19) VCF-style: chr1-45797128-C-A.
Other names: c.1203G>T, p.Gly401= (NM_001048171.2, NM_001048173.2, NM_001293195.2); c.1206G>T, p.Gly402= (NM_001048172.2); c.1287G>T, p.Gly429= (NM_001128425.2); c.1248G>T, p.Gly416= (NM_001293190.2); c.1236G>T, p.Gly412= (NM_001293191.2); c.927G>T, p.Gly309= (NM_001293192.2, NM_001293196.2); c.858G>T, p.Gly286= (NM_001350650.2, NM_001350651.2); c.1278G>T, p.Gly426= (NM_012222.3).
Identifiers: ClinVar variation 464684 (VCV000464684.18), dbSNP rs755651654, ClinGen allele CA417702167.

ClinVar aggregate classification (germline): Likely benign. Review status: criteria provided, multiple submitters, no conflicts (2 of 4 stars). 5 submissions from 5 submitters: Likely benign (5). Last evaluated 2025-12-01.

Conditions:
Hereditary cancer-predisposing syndrome. Also called: Neoplastic Syndromes, Hereditary; Tumor predisposition; Hereditary neoplastic syndrome; Hereditary Cancer Syndrome. Identifiers: Orphanet 140162, MedGen C0027672, MeSH D009386, MONDO:0015356.
Familial adenomatous polyposis 2. Also called: COLORECTAL ADENOMATOUS POLYPOSIS, AUTOSOMAL RECESSIVE; ADENOMAS, MULTIPLE COLORECTAL, AUTOSOMAL RECESSIVE; MUTYH-associated polyposis; FAP type 2; MUTYH-related attenuated familial adenomatous polyposis; Adenomas, multiple colorectal. Identifiers: Orphanet 220460, Orphanet 247798, MedGen C3272841, MONDO:0012041, OMIM 608456.

Allele frequency attached by ClinVar (database versions not stated): gnomAD 0.00001; TOPMed 0.00001.
gnomAD v4.1: 4 of 1,614,104 alleles (0.00025%); highest among the groups gnomAD compares: East Asian, 0.0089%; no homozygotes.

Submissions (5):

Labcorp Genetics (formerly Invitae), Labcorp
Classification: Likely benign for Familial adenomatous polyposis 2. Last evaluated: 2025-12-01. Review status: criteria provided, single submitter. Criteria: Invitae Variant Classification Sherloc (09022015). Collection method: clinical testing. Allele origin: germline.

All of Us Research Program, National Institutes of Health
Classification: Likely benign for Familial adenomatous polyposis 2. Last evaluated: 2023-12-18. Review status: criteria provided, single submitter. Criteria: ACMG Guidelines, 2015. Collection method: clinical testing. Allele origin: germline. Inheritance: Autosomal recessive inheritance. Observed: 3 variant alleles, 3 heterozygotes.
Comment: This study involves interpretation of variants in research participants for the purpose of population health screening. Participant phenotype was not available at the time of variant classification. Additional details can be found in publication PMID: 35346344, PMCID: PMC8962531

GeneDx
Classification: Likely benign. Last evaluated: 2017-09-28. Review status: criteria provided, single submitter. Criteria: GeneDx Variant Classification (06012015). Collection method: clinical testing. Allele origin: germline. Affected: yes.
Comment: This variant is considered likely benign or benign based on one or more of the following criteria: it is a conservative change, it occurs at a poorly conserved position in the protein, it is predicted to be benign by multiple in silico algorithms, and/or has population frequency not consistent with disease.

Color Diagnostics, LLC DBA Color Health
Classification: Likely benign for Hereditary cancer-predisposing syndrome. Last evaluated: 2017-09-12. Review status: criteria provided, single submitter. Criteria: ACMG Guidelines, 2015. Collection method: clinical testing. Allele origin: germline.

Ambry Genetics
Classification: Likely benign for Hereditary cancer-predisposing syndrome. Last evaluated: 2015-11-25. Review status: criteria provided, single submitter. Criteria: Ambry Variant Classification Scheme 2023. Collection method: clinical testing. Allele origin: germline.